The following is an entry in ClinVar:

NM_004453.4(ETFDH):c.684+6C>T

Gene: ETFDH (electron transfer flavoprotein dehydrogenase; plus strand). Cytogenetic location: 4q32.1.
Variant type: single nucleotide variant.
Coding change: c.684+6C>T on transcript NM_004453.4 (MANE Select); 6 bases into the intron after coding-DNA position 684, C replaced by T.
Molecular consequence: intron variant.
Genome position (GRCh38, 1-based): chr4:158,690,431, C>T. VCF-style: chr4-158690431-C-T. GRCh37 (hg19) VCF-style: chr4-159611583-C-T.
Other names: c.543+6C>T (NM_001281737.2); c.501+6C>T (NM_001281738.1).
Identifiers: ClinVar variation 2309463 (VCV002309463.2), dbSNP rs2479100583, ClinGen allele CA2580071634.

ClinVar aggregate classification (germline): Uncertain significance (1 of 4 stars; one submission).

Conditions:
Inborn genetic diseases. Identifiers: MedGen C0950123, MeSH D030342.

Allele frequency attached by ClinVar (database versions not stated): gnomAD exomes below 0.00001.
gnomAD v4.1: 2 of 1,501,488 alleles (0.00013%); highest among the groups gnomAD compares: Non-Finnish European, 0.00019%; no homozygotes.

Submission:

Ambry Genetics
Classification: Uncertain significance for Inborn genetic diseases. Last evaluated: 2022-09-19. Review status: criteria provided, single submitter. Criteria: Ambry Variant Classification Scheme 2023. Collection method: clinical testing. Allele origin: germline.
Comment: The c.684+6C>T intronic alteration consists of a C to T substitution nucleotides after coding exon 6 in the ETFDH gene. Based on insufficient or conflicting evidence, the clinical significance of this alteration remains unclear.